The following is an entry in ClinVar:

ClinVar aggregate classification (germline): Likely benign (1 of 4 stars; one submission).

gnomAD v4.1: 5 of 1,519,962 alleles (0.00033%); highest among the groups gnomAD compares: Admixed American, 0.0024%; no homozygotes.

Submission:

CeGaT Center for Human Genetics Tuebingen
Classification: Likely benign. Last evaluated: 2025-09-01. Review status: criteria provided, single submitter. Criteria: CeGaT Center For Human Genetics Tuebingen Variant Classification Criteria Version 2. Collection method: clinical testing. Allele origin: germline. Affected: yes. Observed: 1 variant allele.
Comment: ARHGAP42: BP4, BP7

NM_152432.4(ARHGAP42):c.849A>G (p.Thr283=)

Gene: ARHGAP42 (Rho GTPase activating protein 42; plus strand). Cytogenetic location: 11q22.1.
Variant type: single nucleotide variant.
Coding change: c.849A>G on transcript NM_152432.4 (MANE Select); coding-DNA position 849, A replaced by G.
Protein change: p.Thr283=; no amino-acid change (threonine 283 retained).
Molecular consequence: synonymous variant.
Genome position (GRCh38, 1-based): chr11:100,941,800, A>G. VCF-style: chr11-100941800-A-G. GRCh37 (hg19) VCF-style: chr11-100812531-A-G.
Other names: c.567A>G, p.Thr189= (NM_001367945.1).
Identifiers: ClinVar variation 4281147 (VCV004281147.7).
Genomic context (GRCh38, chr11:100,941,800, plus strand): 5'-CATTTATTAACAAAATCTGAAATTTTTTTGTTTCCTTACATTAGGACCGCTTGGTTTTAC[A>G]TGGATTAAACATTATTGTACATATGATAAGGGAAGTAAAACATTTACAATGAGTGTTTCA-3'
Protein context (NP_689645.2, residues 273-293): YVQEKRPLGF[Thr283=]WIKHYCTYDK